The following is an entry in ClinVar:

ClinVar aggregate classification (germline): Likely benign. Review status: criteria provided, single submitter (1 of 4 stars). 2 submissions from 2 submitters: Likely benign (1). 1 of the submissions does not count toward it. Last evaluated 2026-04-01.

Conditions:
SPEN-related disorder. Also called: SPEN-related condition.

Allele frequency attached by ClinVar (database versions not stated): TOPMed 0.00184; gnomAD 0.00206; ExAC 0.00278; ESP Exome Variant Server 0.00315; gnomAD exomes 0.00363.
gnomAD v4.1: 5,550 of 1,614,072 alleles (0.34%); highest among the groups gnomAD compares: Non-Finnish European, 0.44%; 8 homozygotes.

Submissions (2):

CeGaT Center for Human Genetics Tuebingen
Classification: Likely benign. Last evaluated: 2026-04-01. Review status: criteria provided, single submitter. Criteria: CeGaT Center For Human Genetics Tuebingen Variant Classification Criteria Version 2. Collection method: clinical testing. Allele origin: germline. Affected: yes. Observed: 4 variant alleles.
Comment: SPEN: BP4, BS1

PreventionGenetics, part of Exact Sciences
Classification: Likely benign for SPEN-related condition. Last evaluated: 2019-07-18. Review status: no assertion criteria provided. Collection method: clinical testing. Allele origin: germline. Not counted in ClinVar's aggregate classification.
Comment: This variant is classified as likely benign based on ACMG/AMP sequence variant interpretation guidelines (Richards et al. 2015 PMID: 25741868, with internal and published modifications).

NM_015001.3(SPEN):c.8811C>T (p.Asn2937=)

Gene: SPEN (spen family transcriptional repressor; plus strand). Cytogenetic location: 1p36.13.
Variant type: single nucleotide variant.
Coding change: c.8811C>T on transcript NM_015001.3 (MANE Select); coding-DNA position 8811, C replaced by T.
Protein change: p.Asn2937=; no amino-acid change (asparagine 2937 retained).
Molecular consequence: synonymous variant.
Genome position (GRCh38, 1-based): chr1:15,935,051, C>T. VCF-style: chr1-15935051-C-T. GRCh37 (hg19) VCF-style: chr1-16261546-C-T.
Other names: c.8811C>T (NM_015001.2).
Identifiers: ClinVar variation 2638339 (VCV002638339.25), dbSNP rs111293962, ClinGen allele CA620345.